The following is an entry in ClinVar:

NM_002024.6(FMR1):c.743C>G (p.Pro248Arg)

Gene: FMR1 (fragile X messenger ribonucleoprotein 1; plus strand). Cytogenetic location: Xq27.3.
Variant type: single nucleotide variant.
Coding change: c.743C>G on transcript NM_002024.6 (MANE Select); coding-DNA position 743, C replaced by G.
Protein change: p.Pro248Arg; replaces proline 248 with arginine.
Molecular consequence: missense variant. On other transcripts: non-coding transcript variant (2).
Genome position (GRCh38, 1-based): chrX:147,932,537, C>G. VCF-style: chrX-147932537-C-G. GRCh37 (hg19) VCF-style: chrX-147014056-C-G.
Other names: c.743C>G, p.Pro248Arg (NM_001185075.2, NM_001185076.2, NM_001185081.2 and 1 more transcripts); short protein forms P248R.
Identifiers: ClinVar variation 4055939 (VCV004055939.1).

ClinVar aggregate classification (germline): Uncertain significance (1 of 4 stars; one submission).

Submission:

GeneDx
Classification: Uncertain significance. Last evaluated: 2025-01-05. Review status: criteria provided, single submitter. Criteria: GeneDx Variant Classification Process June 2021. Collection method: clinical testing. Allele origin: germline. Affected: yes.
Comment: Not observed at significant frequency in large population cohorts (gnomAD); In silico analysis supports that this missense variant has a deleterious effect on protein structure/function; Has not been previously published as pathogenic or benign to our knowledge